The following is an entry in ClinVar:

ClinVar aggregate classification (germline): Conflicting classifications of pathogenicity. Review status: criteria provided, conflicting classifications (1 of 4 stars). 2 submissions from 2 submitters: Uncertain significance (1); Likely benign (1). Last evaluated 2024-04-16.

Conditions:
Gastrointestinal stromal tumor. Also called: Gastrointestinal stromal tumor, somatic; Gastrointestinal stroma tumor. Identifiers: Orphanet 44890, MedGen C0238198, MeSH D046152, MONDO:0011719, OMIM 606764, HP:0100723.
Hereditary cancer-predisposing syndrome. Also called: Neoplastic Syndromes, Hereditary; Hereditary Cancer Syndrome; Hereditary neoplastic syndrome; Tumor predisposition. Identifiers: Orphanet 140162, MedGen C0027672, MeSH D009386, MONDO:0015356.

Allele frequency attached by ClinVar (database versions not stated): TOPMed below 0.00001; gnomAD 0.00001.
gnomAD v4.1: 1 of 1,614,054 alleles (0.000062%); highest among the groups gnomAD compares: Non-Finnish European, 0.000085%; no homozygotes.

Submissions (2):

Labcorp Genetics (formerly Invitae), Labcorp
Classification: Uncertain significance for Gastrointestinal stromal tumor. Last evaluated: 2024-04-16. Review status: criteria provided, single submitter. Criteria: Invitae Variant Classification Sherloc (09022015). Collection method: clinical testing. Allele origin: germline.
Comment: This sequence change replaces arginine, which is basic and polar, with lysine, which is basic and polar, at codon 297 of the PDGFRA protein (p.Arg297Lys). This variant is not present in population databases (gnomAD no frequency). This variant has not been reported in the literature in individuals affected with PDGFRA-related conditions. ClinVar contains an entry for this variant (Variation ID: 407399). Advanced modeling of protein sequence and biophysical properties (such as structural, functional, and spatial information, amino acid conservation, physicochemical variation, residue mobility, and thermodynamic stability) performed at Invitae indicates that this missense variant is not expected to disrupt PDGFRA protein function with a negative predictive value of 80%. In summary, the available evidence is currently insufficient to determine the role of this variant in disease. Therefore, it has been classified as a Variant of Uncertain Significance.

Ambry Genetics
Classification: Likely benign for Hereditary cancer-predisposing syndrome. Last evaluated: 2021-06-11. Review status: criteria provided, single submitter. Criteria: Ambry Variant Classification Scheme 2023. Collection method: clinical testing. Allele origin: germline.

NM_006206.6(PDGFRA):c.890G>A (p.Arg297Lys)

Gene: PDGFRA (platelet derived growth factor receptor alpha; plus strand). Cytogenetic location: 4q12.
Variant type: single nucleotide variant.
Coding change: c.890G>A on transcript NM_006206.6 (MANE Select); coding-DNA position 890, G replaced by A.
Protein change: p.Arg297Lys; replaces arginine 297 with lysine.
Molecular consequence: missense variant.
Genome position (GRCh38, 1-based): chr4:54,267,419, G>A. VCF-style: chr4-54267419-G-A. GRCh37 (hg19) VCF-style: chr4-55133586-G-A.
Other names: c.890G>A, p.Arg297Lys (NM_001347827.2, NM_001347829.2); c.965G>A, p.Arg322Lys (NM_001347828.2); c.929G>A, p.Arg310Lys (NM_001347830.2); short protein forms R297K, R322K, R310K.
Identifiers: ClinVar variation 407399 (VCV000407399.10), dbSNP rs1060501507, ClinGen allele CA16611635.